The following is an entry in ClinVar:

ClinVar aggregate classification (germline): Uncertain significance (1 of 4 stars; one submission).

Conditions:
Dyskeratosis congenita. Identifiers: Orphanet 1775, MedGen C0265965, MONDO:0015780.

Submission:

Ambry Genetics
Classification: Uncertain significance for Dyskeratosis congenita. Last evaluated: 2026-06-08. Review status: criteria provided, single submitter. Criteria: Ambry Variant Classification Scheme 2023. Collection method: clinical testing. Allele origin: germline.
Comment: The p.V826L variant (also known as c.2476G>C), located in coding exon 9 of the TERT gene, results from a G to C substitution at nucleotide position 2476. The valine at codon 826 is replaced by leucine, an amino acid with highly similar properties. This amino acid position is conserved. In addition, this alteration is predicted to be tolerated by in silico analysis. Based on the available evidence, the clinical significance of this variant remains unclear.

NM_198253.3(TERT):c.2476G>C (p.Val826Leu)

Gene: TERT (telomerase reverse transcriptase; minus strand). Cytogenetic location: 5p15.33.
Variant type: single nucleotide variant.
Coding change: c.2476G>C on transcript NM_198253.3 (MANE Select); coding-DNA position 2476, G replaced by C.
Protein change: p.Val826Leu; replaces valine 826 with leucine.
Molecular consequence: missense variant. On other transcripts: non-coding transcript variant (2).
Genome position (GRCh38, 1-based): chr5:1,268,626, C>G on the plus strand (G>C on the coding strand, the complement: TERT is on the minus strand). VCF-style: chr5-1268626-C-G. GRCh37 (hg19) VCF-style: chr5-1268741-C-G.
Other names: c.2476G>C, p.Val826Leu (NM_001193376.3); short protein forms V826L.
Identifiers: ClinVar variation 4865447 (VCV004865447.1).
Genomic context (GRCh38, chr5:1,268,626, plus strand): 5'-AGCACAGGCTGCAGAGCAGCGTGGAGAGGATGGAGCCCTGCGGGATCCCCTGGCACTGGA[C>G]GTAGGACCTGGGGCGGGAAGACACAGGTGAGAGACGGGCAGGGCATGTGCTGGACATGCG-3'
Protein context (NP_937983.2, residues 816-836): HAVRIRGKSY[Val826Leu]QCQGIPQGSI